The following is an entry in ClinVar:

ClinVar aggregate classification (germline): Uncertain significance (1 of 4 stars; one submission).

gnomAD v4.1: 1 of 1,610,218 alleles (0.000062%); highest among the groups gnomAD compares: Non-Finnish European, 0.000085%; no homozygotes.

Submission:

GeneDx
Classification: Uncertain significance. Last evaluated: 2025-07-16. Review status: criteria provided, single submitter. Criteria: GeneDx Variant Classification Process June 2021. Collection method: clinical testing. Allele origin: germline. Affected: yes.
Comment: Not observed at significant frequency in large population cohorts (gnomAD); In silico analysis is inconclusive as to whether the variant alters gene splicing. In the absence of RNA/functional studies, the actual effect of this sequence change is unknown.; Has not been previously published as pathogenic or benign to our knowledge

NM_003470.3(USP7):c.2919+3A>G

Gene: USP7 (ubiquitin specific peptidase 7; minus strand). Cytogenetic location: 16p13.2.
Variant type: single nucleotide variant.
Coding change: c.2919+3A>G on transcript NM_003470.3 (MANE Select); 3 bases into the intron after coding-DNA position 2919, A replaced by G.
Molecular consequence: intron variant.
Genome position (GRCh38, 1-based): chr16:8,895,639, T>C on the plus strand (A>G on the coding strand, the complement: USP7 is on the minus strand). VCF-style: chr16-8895639-T-C. GRCh37 (hg19) VCF-style: chr16-8989496-T-C.
Other names: c.2745+3A>G (NM_001321858.2); c.2871+3A>G (NM_001286457.2); c.2622+3A>G (NM_001286458.2).
Identifiers: ClinVar variation 4686462 (VCV004686462.1).